The following is an entry in ClinVar:

ClinVar aggregate classification (germline): Uncertain significance (1 of 4 stars; one submission).

Submission:

GeneDx
Classification: Uncertain significance. Last evaluated: 2024-11-25. Review status: criteria provided, single submitter. Criteria: GeneDx Variant Classification Process June 2021. Collection method: clinical testing. Allele origin: germline. Affected: yes.
Comment: Not observed at significant frequency in large population cohorts (gnomAD); In silico analysis supports that this missense variant has a deleterious effect on protein structure/function; Has not been previously published as pathogenic or benign to our knowledge

NM_001042681.2(RERE):c.3784C>A (p.Pro1262Thr)

Gene: RERE (arginine-glutamic acid dipeptide repeats; minus strand). Cytogenetic location: 1p36.23.
Variant type: single nucleotide variant.
Coding change: c.3784C>A on transcript NM_001042681.2 (MANE Select); coding-DNA position 3784, C replaced by A.
Protein change: p.Pro1262Thr; replaces proline 1262 with threonine.
Molecular consequence: missense variant.
Genome position (GRCh38, 1-based): chr1:8,358,751, G>T on the plus strand (C>A on the coding strand, the complement: RERE is on the minus strand). VCF-style: chr1-8358751-G-T. GRCh37 (hg19) VCF-style: chr1-8418811-G-T.
Other names: c.2122C>A, p.Pro708Thr (NM_001042682.2); c.3784C>A, p.Pro1262Thr (NM_012102.4); short protein forms P1262T, P708T.
Identifiers: ClinVar variation 3372645 (VCV003372645.2).
Genomic context (GRCh38, chr1:8,358,751, plus strand): 5'-CCGTGGGGTTAAGGGGCATGTAGAAGGGGTGGTTGCGGTTGGTGGGCGACATGACGTGGG[G>T]CCGGGCGTACTCGCTCAGAGTCCGAAGGGCAGGTGTGTCGGGCCCGATGTAGGGGGGCAC-3'
Protein context (NP_001036146.1, residues 1252-1272): ALRTLSEYAR[Pro1262Thr]HVMSPTNRNH